The following is an entry in ClinVar:

NM_024611.6(ICE2):c.2511-10T>C

Gene: ICE2 (interactor of little elongation complex ELL subunit 2; minus strand). Cytogenetic location: 15q22.2.
Variant type: single nucleotide variant.
Coding change: c.2511-10T>C on transcript NM_024611.6 (MANE Select); 10 bases into the intron before coding-DNA position 2511, T replaced by C.
Molecular consequence: intron variant.
Genome position (GRCh38, 1-based): chr15:60,431,994, A>G on the plus strand (T>C on the coding strand, the complement: ICE2 is on the minus strand). VCF-style: chr15-60431994-A-G. GRCh37 (hg19) VCF-style: chr15-60724193-A-G.
Other names: c.2100-10T>C (NM_001018089.3).
Identifiers: ClinVar variation 3043172 (VCV003043172.2), dbSNP rs375280679, ClinGen allele CA7592698.

ClinVar aggregate classification (germline): Likely benign (0 of 4 stars; one submission).

Conditions:
ICE2-related disorder. Also called: ICE2-related condition.

Allele frequency attached by ClinVar (database versions not stated): TOPMed 0.00003; gnomAD 0.00017; gnomAD exomes 0.00029; 1000 Genomes Project 30x 0.00062; ExAC 0.00070; 1000 Genomes Project 0.00080.
gnomAD v4.1: 371 of 1,380,742 alleles (0.027%); highest among the groups gnomAD compares: South Asian, 0.44%; 7 homozygotes.

Submission:

PreventionGenetics, part of Exact Sciences
Classification: Likely benign for ICE2-related condition. Last evaluated: 2019-06-28. Review status: no assertion criteria provided. Collection method: clinical testing. Allele origin: germline.
Comment: This variant is classified as likely benign based on ACMG/AMP sequence variant interpretation guidelines (Richards et al. 2015 PMID: 25741868, with internal and published modifications).